The following is an entry in ClinVar:

NM_138773.4(SLC25A46):c.322G>A (p.Ala108Thr)

Gene: SLC25A46 (solute carrier family 25 member 46; plus strand). Cytogenetic location: 5q22.1.
Variant type: single nucleotide variant.
Coding change: c.322G>A on transcript NM_138773.4 (MANE Select); coding-DNA position 322, G replaced by A.
Protein change: p.Ala108Thr; replaces alanine 108 with threonine.
Molecular consequence: missense variant. On other transcripts: non-coding transcript variant (1).
Genome position (GRCh38, 1-based): chr5:110,742,085, G>A. VCF-style: chr5-110742085-G-A. GRCh37 (hg19) VCF-style: chr5-110077786-G-A.
Other names: c.322G>A, p.Ala108Thr (NM_001303249.3); c.49G>A, p.Ala17Thr (NM_001303250.3); short protein forms A108T, A17T.
Identifiers: ClinVar variation 663802 (VCV000663802.9), dbSNP rs766964934, ClinGen allele CA3364536.
Genomic context (GRCh38, chr5:110,742,085, plus strand): 5'-TTTCTATTTTTTTTTACTTTAGAACAGCTGAATAGATTTGCTGGATTTGGTATTGGACTT[G>A]CAAGGTAATGTTTTATCTAAAGACGTTTACAGCTTTTATTTATTGAATTTAGAGTTTTTC-3'
Protein context (NP_620128.1, residues 98-118): NRFAGFGIGL[Ala108Thr]SLFTENVLAH

ClinVar aggregate classification (germline): Uncertain significance (1 of 4 stars; one submission).

Conditions:
Neuropathy, hereditary motor and sensory, type 6B (HMSN6B). Also called: NEUROPATHY, HEREDITARY MOTOR AND SENSORY, TYPE VIB, WITH OPTIC ATROPHY; Neuropathy, hereditary motor and sensory, type VIB; HMSN VIB; CHARCOT-MARIE-TOOTH DISEASE, TYPE 6B. Identifiers: MedGen C4225302, MONDO:0014671, OMIM 616505.

Allele frequency attached by ClinVar (database versions not stated): TOPMed 0.00001; ExAC 0.00002; gnomAD exomes 0.00002.
gnomAD v4.1: 31 of 1,566,426 alleles (0.002%); highest among the groups gnomAD compares: Non-Finnish European, 0.0027%; no homozygotes.

Submission:

Labcorp Genetics (formerly Invitae), Labcorp
Classification: Uncertain significance for Neuropathy, hereditary motor and sensory, type 6B. Last evaluated: 2022-07-05. Review status: criteria provided, single submitter. Criteria: Invitae Variant Classification Sherloc (09022015). Collection method: clinical testing. Allele origin: germline.
Comment: In summary, the available evidence is currently insufficient to determine the role of this variant in disease. Therefore, it has been classified as a Variant of Uncertain Significance. Algorithms developed to predict the effect of missense changes on protein structure and function (SIFT, PolyPhen-2, Align-GVGD) all suggest that this variant is likely to be tolerated. ClinVar contains an entry for this variant (Variation ID: 663802). This variant has not been reported in the literature in individuals affected with SLC25A46-related conditions. The frequency data for this variant in the population databases is considered unreliable, as metrics indicate poor data quality at this position in the gnomAD database. This sequence change replaces alanine, which is neutral and non-polar, with threonine, which is neutral and polar, at codon 108 of the SLC25A46 protein (p.Ala108Thr).